The following is an entry in ClinVar:

ClinVar aggregate classification (germline): Uncertain significance. Review status: criteria provided, multiple submitters, no conflicts (2 of 4 stars). 2 submissions from 2 submitters: Uncertain significance (2). Last evaluated 2025-01-01.

Conditions:
Inborn genetic diseases. Identifiers: MedGen C0950123, MeSH D030342.

gnomAD v4.1: 5 of 1,613,832 alleles (0.00031%); highest among the groups gnomAD compares: Non-Finnish European, 0.00034%; no homozygotes.

Submissions (2):

Ambry Genetics
Classification: Uncertain significance for Inborn genetic diseases. Last evaluated: 2025-01-01. Review status: criteria provided, single submitter. Criteria: Ambry Variant Classification Scheme 2023. Collection method: clinical testing. Allele origin: germline.

GeneDx
Classification: Uncertain significance. Last evaluated: 2023-05-30. Review status: criteria provided, single submitter. Criteria: GeneDx Variant Classification Process June 2021. Collection method: clinical testing. Allele origin: germline. Affected: yes.
Comment: Not observed at significant frequency in large population cohorts (gnomAD); In silico analysis supports that this missense variant has a deleterious effect on protein structure/function; Has not been previously published as pathogenic or benign to our knowledge

NM_001161352.2(KCNMA1):c.1909T>C (p.Ser637Pro)

Gene: KCNMA1 (potassium calcium-activated channel subfamily M alpha 1; minus strand). Cytogenetic location: 10q22.3.
Variant type: single nucleotide variant.
Coding change: c.1909T>C on transcript NM_001161352.2 (MANE Select); coding-DNA position 1909, T replaced by C.
Protein change: p.Ser637Pro; replaces serine 637 with proline.
Molecular consequence: missense variant.
Genome position (GRCh38, 1-based): chr10:77,027,842, A>G on the plus strand (T>C on the coding strand, the complement: KCNMA1 is on the minus strand). VCF-style: chr10-77027842-A-G. GRCh37 (hg19) VCF-style: chr10-78787600-A-G.
Other names: c.1909T>C, p.Ser637Pro (NM_001014797.3, NM_001161353.2, NM_001271519.2 and 8 more transcripts); c.1747T>C, p.Ser583Pro (NM_001271518.2); c.1369T>C, p.Ser457Pro (NM_001322838.2); short protein forms S457P, S583P, S637P.
Identifiers: ClinVar variation 3340948 (VCV003340948.2).